The following is an entry in ClinVar:

ClinVar aggregate classification (germline): Pathogenic (1 of 4 stars; one submission).

Conditions:
Gorlin syndrome. Also called: Nevoid Basal Cell Carcinoma Syndrome; Basal cell nevus syndrome. Identifiers: Orphanet 377, MedGen C0004779, MONDO:0007187.

Submission:

Labcorp Genetics (formerly Invitae), Labcorp
Classification: Pathogenic for Gorlin syndrome. Last evaluated: 2022-01-13. Review status: criteria provided, single submitter. Criteria: Invitae Variant Classification Sherloc (09022015). Collection method: clinical testing. Allele origin: germline.
Comment: This sequence change creates a premature translational stop signal (p.Ser900Lysfs*5) in the PTCH1 gene. It is expected to result in an absent or disrupted protein product. Loss-of-function variants in PTCH1 are known to be pathogenic (PMID: 16301862, 16419085). This variant is not present in population databases (gnomAD no frequency). This variant has not been reported in the literature in individuals affected with PTCH1-related conditions. For these reasons, this variant has been classified as Pathogenic.

Literature cited by the submitters: PubMed 16301862; PubMed 16419085.

NM_000264.5(PTCH1):c.2698dup (p.Ser900fs)

Gene: PTCH1 (patched 1; minus strand). Cytogenetic location: 9q22.32.
Variant type: Duplication.
Coding change: c.2698dup on transcript NM_000264.5 (MANE Select); coding-DNA position 2698, one base duplicated (A; older notation c.2698dupA).
Protein change: p.Ser900fs; shifts the reading frame from serine 900.
Molecular consequence: frameshift variant. On other transcripts: non-coding transcript variant (1).
Genome position (GRCh38, 1-based): chr9:95,461,861, T duplicated on the plus strand (A on the coding strand, the reverse complement: PTCH1 is on the minus strand). VCF-style (leftmost placement, unchanged base first): chr9-95461860-C-CT. GRCh37 (hg19) VCF-style: chr9-98224142-C-CT.
Other names: c.2500dup, p.Ser834fs (NM_001083602.3); c.2695dup, p.Ser899fs (NM_001083603.3); c.2245dup, p.Ser749fs (NM_001083604.3, NM_001083605.3, NM_001083606.3 and 1 more transcripts); c.2542dup, p.Ser848fs (NM_001354918.2); short protein forms S900fs, S834fs, S848fs, S899fs, S749fs.
Identifiers: ClinVar variation 2080546 (VCV002080546.4), dbSNP rs2538093611, ClinGen allele CA2580080796.
Genomic context (GRCh38, chr9:95,461,860, plus strand): 5'-CAGGGCAGCGGCCCCGCAGCCCTGGAAGCGCCCTCAGTGCCCAGCAGCTGGAGTACCTGG[C>CT]TGATGTCGATGGGCTTATCGCGGCTGCCGGTTTGCACCAGGAGTTTGTAGGCAAGGACTC-3'